The following is an entry in ClinVar:

NM_005476.7(GNE):c.1107del (p.Ile370fs)

Gene: GNE (glucosamine (UDP-N-acetyl)-2-epimerase/N-acetylmannosamine kinase; minus strand). Cytogenetic location: 9p13.3.
Variant type: Deletion.
Coding change: c.1107del on transcript NM_005476.7 (MANE Select); coding-DNA position 1107, one base deleted (G; older notation c.1107delG).
Protein change: p.Ile370fs; shifts the reading frame from isoleucine 370.
Molecular consequence: frameshift variant.
Genome position (GRCh38, 1-based): chr9:36,227,422, C deleted on the plus strand (G on the coding strand, the reverse complement: GNE is on the minus strand); the first of 2 consecutive C bases (chr9:36,227,422-36,227,423); deleting either gives the same sequence. VCF-style (leftmost placement, unchanged base first): chr9-36227421-TC-T. GRCh37 (hg19) VCF-style: chr9-36227418-TC-T.
Other names: c.1200del, p.Ile401fs (NM_001128227.3); c.1107del, p.Ile370fs (NM_001190383.3); c.777del, p.Ile260fs (NM_001190384.3); c.930del, p.Ile311fs (NM_001190388.2, NM_001374798.1); c.954del, p.Ile319fs (NM_001374797.1); short protein forms I260fs, I311fs, I319fs, I370fs, I401fs.
Identifiers: ClinVar variation 5012550 (VCV005012550.1).

ClinVar aggregate classification (germline): Pathogenic (1 of 4 stars; one submission).

Conditions:
GNE myopathy (NM). Also called: INCLUSION BODY MYOPATHY 2, AUTOSOMAL RECESSIVE; MYOPATHY, DISTAL, WITH OR WITHOUT RIMMED VACUOLES; IBM 2; Inclusion body myopathy autosomal recessive; Inclusion body myopathy quadriceps sparing; NONAKA DISTAL MYOPATHY. Identifiers: Orphanet 602, MedGen C1853926, MONDO:0011603, OMIM 605820.

Submission:

Myriad Genetics, Inc.
Classification: Pathogenic for GNE myopathy. Last evaluated: 2023-12-08. Review status: criteria provided, single submitter. Criteria: Myriad Autosomal Dominant, Autosomal Recessive and X-Linked Classification Criteria (2023). Collection method: clinical testing. Allele origin: unknown.
Comment: NM_001128227.2(GNE):c.1200delG(I401Ffs*2) is expected to be pathogenic in the context of GNE myopathy. This variant is predicted to lead to an abnormal or absent protein product due to the creation of a premature termination codon in GNE, a gene where loss-of-function variants are known to be pathogenic. Please note: this variant was assessed in the context of healthy population screening.